The following is an entry in ClinVar:

NM_001267550.2(TTN):c.6778C>A (p.Leu2260Ile)

Gene: TTN (titin; minus strand). Cytogenetic location: 2q31.2.
Variant type: single nucleotide variant.
Coding change: c.6778C>A on transcript NM_001267550.2 (MANE Select); coding-DNA position 6778, C replaced by A.
Protein change: p.Leu2260Ile; replaces leucine 2260 with isoleucine.
Molecular consequence: missense variant.
Genome position (GRCh38, 1-based): chr2:178,774,933, G>T on the plus strand (C>A on the coding strand, the complement: TTN is on the minus strand). VCF-style: chr2-178774933-G-T. GRCh37 (hg19) VCF-style: chr2-179639660-G-T.
Other names: c.6778C>A, p.Leu2260Ile (NM_001256850.1, NM_133378.4, NM_133379.5); c.6640C>A, p.Leu2214Ile (NM_003319.4, NM_133432.3, NM_133437.4); short protein forms L2214I, L2260I.
Identifiers: ClinVar variation 4975697 (VCV004975697.1).

ClinVar aggregate classification (germline): Uncertain significance (1 of 4 stars; one submission).

gnomAD v4.1: 7 of 1,613,764 alleles (0.00043%); highest among the groups gnomAD compares: Non-Finnish European, 0.00059%; no homozygotes.

Submission:

GeneDx
Classification: Uncertain significance. Last evaluated: 2026-03-16. Review status: criteria provided, single submitter. Criteria: GeneDx Variant Classification Process June 2021. Collection method: clinical testing. Allele origin: germline.
Comment: Not observed at significant frequency in large population cohorts (gnomAD); Missense variant in a gene in which most reported pathogenic variants are truncating/loss of function; Has not been previously published as pathogenic or benign to our knowledge